The following is an entry in ClinVar:

NM_000138.5(FBN1):c.164+5A>G

Gene: FBN1 (fibrillin 1; minus strand). Cytogenetic location: 15q21.1.
Variant type: single nucleotide variant.
Coding change: c.164+5A>G on transcript NM_000138.5 (MANE Select); 5 bases into the intron after coding-DNA position 164, A replaced by G.
Molecular consequence: intron variant.
Genome position (GRCh38, 1-based): chr15:48,644,601, T>C on the plus strand (A>G on the coding strand, the complement: FBN1 is on the minus strand). VCF-style: chr15-48644601-T-C. GRCh37 (hg19) VCF-style: chr15-48936798-T-C.
Identifiers: ClinVar variation 42289 (VCV000042289.17), dbSNP rs397515760, ClinGen allele CA012387.

ClinVar aggregate classification (germline): Conflicting classifications of pathogenicity. Review status: criteria provided, conflicting classifications (1 of 4 stars). 4 submissions from 4 submitters: Uncertain significance (3); Likely benign (1). Last evaluated 2025-09-16.

Conditions:
Marfan syndrome (MFS). Also called: FBN1-Related Marfan Syndrome; Marfan syndrome, classic; MARFAN SYNDROME, TYPE I; Marfan syndrome type 1; Marfan's syndrome. Identifiers: Orphanet 284963, Orphanet 558, MedGen C0024796, MONDO:0007947, OMIM 154700.
Progeroid and marfanoid aspect-lipodystrophy syndrome. Also called: MARFANOID-PROGEROID-LIPODYSTROPHY SYNDROME; Marfan lipodystrophy syndrome; MARFANOID-PROGEROID SYNDROME; MARFAN-PROGEROID-LIPODYSTROPHY SYNDROME. Identifiers: Orphanet 300382, MedGen C4310796, MONDO:0014831, OMIM 616914.
MASS syndrome (OCTD). Also called: MASS PHENOTYPE; OVERLAP CONNECTIVE TISSUE DISEASE. Identifiers: MedGen C1858556, MONDO:0011431, OMIM 604308.
Geleophysic dysplasia 2 (GPHYSD2). Identifiers: Orphanet 2623, MedGen C3280054, MONDO:0013612, OMIM 614185.
Stiff skin syndrome (SSKS). Identifiers: Orphanet 2833, MedGen C1861456, MONDO:0008492, OMIM 184900.
Ectopia lentis 1, isolated, autosomal dominant (ECTOL1). Identifiers: Orphanet 1885, MedGen C3541518, MONDO:0007514, OMIM 129600.
Weill-Marchesani syndrome 2, dominant. Also called: Weill-Marchesani Syndrome, Autosomal Dominant; FBN1-Related Weill-Marchesani Syndrome. Identifiers: Orphanet 2084, MedGen C1869115, MONDO:0012013, OMIM 608328.
Acromicric dysplasia (ACMICD). Also called: Acromicric skeletal dysplasia. Identifiers: Orphanet 969, MedGen C0265287, MONDO:0007055, OMIM 102370.
Familial thoracic aortic aneurysm and aortic dissection (TAAD). Also called: Thoracic aortic aneurysms and dissections. Identifiers: Orphanet 91387, MedGen C4707243, MONDO:0019625.

Allele frequency attached by ClinVar (database versions not stated): ExAC 0.00002; gnomAD exomes 0.00001 and 0.00003; TOPMed below 0.00001.
gnomAD v4.1: 19 of 1,614,082 alleles (0.0012%); highest among the groups gnomAD compares: South Asian, 0.019%; no homozygotes.

Submissions (4):

Labcorp Genetics (formerly Invitae), Labcorp
Classification: Uncertain significance for Marfan syndrome; Familial thoracic aortic aneurysm and aortic dissection. Last evaluated: 2025-09-16. Review status: criteria provided, single submitter. Criteria: Invitae Variant Classification Sherloc (09022015). Collection method: clinical testing. Allele origin: germline.
Comment: This sequence change falls in intron 2 of the FBN1 gene. It does not directly change the encoded amino acid sequence of the FBN1 protein. It affects a nucleotide within the consensus splice site. This variant is present in population databases (rs397515760, gnomAD 0.02%). This variant has been observed in individual(s) with clinical symptoms suggestive of Marfan syndrome, Loeys-Dietz syndrome, or thoracic aortic aneurysm and dissection (PMID: 24793577). ClinVar contains an entry for this variant (Variation ID: 42289). Variants that disrupt the consensus splice site are a relatively common cause of aberrant splicing (PMID: 17576681, 9536098). Algorithms developed to predict the effect of sequence changes on RNA splicing suggest that this variant is not likely to affect RNA splicing. In summary, the available evidence is currently insufficient to determine the role of this variant in disease. Therefore, it has been classified as a Variant of Uncertain Significance.

Color Diagnostics, LLC DBA Color Health
Classification: Likely benign for Familial thoracic aortic aneurysm and aortic dissection. Last evaluated: 2018-11-08. Review status: criteria provided, single submitter. Criteria: ACMG Guidelines, 2015. Collection method: clinical testing. Allele origin: germline.

Fulgent Genetics
Classification: Uncertain significance for Acromicric dysplasia; Ectopia lentis 1, isolated, autosomal dominant; Marfan syndrome; Stiff skin syndrome; MASS syndrome; Weill-Marchesani syndrome 2, dominant; Geleophysic dysplasia 2; Progeroid and marfanoid aspect-lipodystrophy syndrome. Last evaluated: 2018-10-31. Review status: criteria provided, single submitter. Criteria: ACMG Guidelines, 2015. Collection method: clinical testing. Allele origin: unknown.

Laboratory for Molecular Medicine, Mass General Brigham Personalized Medicine
Classification: Uncertain significance. Last evaluated: 2008-03-04. Review status: criteria provided, single submitter. Criteria: LMM Criteria. Collection method: clinical testing. Allele origin: germline. Observed: 1 variant allele.

Literature cited by the submitters: PubMed 24793577 (cited by Labcorp Genetics (formerly Invitae), Labcorp); PubMed 17576681 (cited by Labcorp Genetics (formerly Invitae), Labcorp); PubMed 9536098 (cited by Labcorp Genetics (formerly Invitae), Labcorp).